The following is an entry in ClinVar:

ClinVar aggregate classification (germline): Uncertain significance (1 of 4 stars; one submission).

gnomAD v4.1: 4 of 1,453,586 alleles (0.00028%); highest among the groups gnomAD compares: South Asian, 0.0014%; no homozygotes.

Submission:

Labcorp Genetics (formerly Invitae), Labcorp
Classification: Uncertain significance. Last evaluated: 2024-03-28. Review status: criteria provided, single submitter. Criteria: Invitae Variant Classification Sherloc (09022015). Collection method: clinical testing. Allele origin: germline.
Comment: This sequence change replaces alanine, which is neutral and non-polar, with threonine, which is neutral and polar, at codon 81 of the KDM1A protein (p.Ala81Thr). This variant is not present in population databases (gnomAD no frequency). This variant has not been reported in the literature in individuals affected with KDM1A-related conditions. Algorithms developed to predict the effect of missense changes on protein structure and function output the following: SIFT: "Not Available"; PolyPhen-2: "Benign"; Align-GVGD: "Not Available". The threonine amino acid residue is found in multiple mammalian species, which suggests that this missense change does not adversely affect protein function. In summary, the available evidence is currently insufficient to determine the role of this variant in disease. Therefore, it has been classified as a Variant of Uncertain Significance.

NM_001009999.3(KDM1A):c.241G>A (p.Ala81Thr)

Gene: KDM1A (lysine demethylase 1A; plus strand). Cytogenetic location: 1p36.12.
Variant type: single nucleotide variant.
Coding change: c.241G>A on transcript NM_001009999.3 (MANE Select); coding-DNA position 241, G replaced by A.
Protein change: p.Ala81Thr; replaces alanine 81 with threonine.
Molecular consequence: missense variant.
Genome position (GRCh38, 1-based): chr1:23,019,837, G>A. VCF-style: chr1-23019837-G-A. GRCh37 (hg19) VCF-style: chr1-23346330-G-A.
Other names: c.241G>A, p.Ala81Thr (NM_001363654.2, NM_001410762.1, NM_001410763.1 and 1 more transcripts); short protein forms A81T.
Identifiers: ClinVar variation 3691186 (VCV003691186.2).